The following is an entry in ClinVar:

NM_024809.5(TCTN2):c.1705C>G (p.Leu569Val)

Gene: TCTN2 (tectonic family member 2; plus strand). Cytogenetic location: 12q24.31.
Variant type: single nucleotide variant.
Coding change: c.1705C>G on transcript NM_024809.5 (MANE Select); coding-DNA position 1705, C replaced by G.
Protein change: p.Leu569Val; replaces leucine 569 with valine.
Molecular consequence: missense variant.
Genome position (GRCh38, 1-based): chr12:123,704,624, C>G. VCF-style: chr12-123704624-C-G. GRCh37 (hg19) VCF-style: chr12-124189171-C-G.
Other names: c.1702C>G, p.Leu568Val (NM_001143850.3); c.1570C>G, p.Leu524Val (NM_001410989.1); short protein forms L524V, L569V, L568V.
Identifiers: ClinVar variation 2061634 (VCV002061634.2), dbSNP rs371239697, ClinGen allele CA6861309.

ClinVar aggregate classification (germline): Uncertain significance. Review status: criteria provided, multiple submitters, no conflicts (2 of 4 stars). 2 submissions from 2 submitters: Uncertain significance (2). Last evaluated 2024-06-17.

Conditions:
Joubert syndrome. Also called: CEREBELLOPARENCHYMAL DISORDER IV; JOUBERT-BOLTSHAUSER SYNDROME; Familial aplasia of the vermis. Identifiers: Orphanet 475, MedGen C5979921, MONDO:0018772.
Meckel-Gruber syndrome. Also called: DYSENCEPHALIA SPLANCHNOCYSTICA; GRUBER SYNDROME; Dysencephalia splachnocystica. Identifiers: Orphanet 564, MedGen C0265215, MONDO:0018921.
Meckel syndrome, type 8. Identifiers: Orphanet 564, MedGen C3836857, MONDO:0013482, OMIM 613885.
Joubert syndrome 24 (JBTS24). Identifiers: Orphanet 475, MedGen C4084841, MONDO:0014724, OMIM 616654.

Allele frequency attached by ClinVar (database versions not stated): gnomAD 0.00001; gnomAD exomes 0.00001; ExAC 0.00002; 1000 Genomes Project 30x 0.00016; 1000 Genomes Project 0.00020; TOPMed below 0.00001.
gnomAD v4.1: 12 of 1,613,388 alleles (0.00074%); highest among the groups gnomAD compares: East Asian, 0.022%; no homozygotes.

Submissions (2):

Fulgent Genetics
Classification: Uncertain significance for Meckel syndrome, type 8; Joubert syndrome 24. Last evaluated: 2024-06-17. Review status: criteria provided, single submitter. Criteria: ACMG Guidelines, 2015. Collection method: clinical testing. Allele origin: germline.

Labcorp Genetics (formerly Invitae), Labcorp
Classification: Uncertain significance for Joubert syndrome; Meckel-Gruber syndrome. Last evaluated: 2022-06-05. Review status: criteria provided, single submitter. Criteria: Invitae Variant Classification Sherloc (09022015). Collection method: clinical testing. Allele origin: germline.
Comment: This sequence change replaces leucine, which is neutral and non-polar, with valine, which is neutral and non-polar, at codon 569 of the TCTN2 protein (p.Leu569Val). This variant is present in population databases (rs371239697, gnomAD 0.04%). This variant has not been reported in the literature in individuals affected with TCTN2-related conditions. Algorithms developed to predict the effect of missense changes on protein structure and function (SIFT, PolyPhen-2, Align-GVGD) all suggest that this variant is likely to be tolerated. In summary, the available evidence is currently insufficient to determine the role of this variant in disease. Therefore, it has been classified as a Variant of Uncertain Significance.